The following is an entry in ClinVar:

ClinVar aggregate classification (germline): Uncertain significance (1 of 4 stars; one submission).

Conditions:
Mucopolysaccharidosis type 7 (MPS7). Also called: MPS VII; BETA-GLUCURONIDASE DEFICIENCY; GUSB DEFICIENCY; SLY SYNDROME. Identifiers: Orphanet 584, MedGen C0085132, MONDO:0009662, OMIM 253220.

Submission:

Labcorp Genetics (formerly Invitae), Labcorp
Classification: Uncertain significance for Mucopolysaccharidosis type 7. Last evaluated: 2023-08-04. Review status: criteria provided, single submitter. Criteria: Invitae Variant Classification Sherloc (09022015). Collection method: clinical testing. Allele origin: germline.
Comment: In summary, the available evidence is currently insufficient to determine the role of this variant in disease. Therefore, it has been classified as a Variant of Uncertain Significance. Advanced modeling of protein sequence and biophysical properties (such as structural, functional, and spatial information, amino acid conservation, physicochemical variation, residue mobility, and thermodynamic stability) performed at Invitae indicates that this missense variant is expected to disrupt GUSB protein function. ClinVar contains an entry for this variant (Variation ID: 2093036). This variant has not been reported in the literature in individuals affected with GUSB-related conditions. This variant is not present in population databases (gnomAD no frequency). This sequence change replaces aspartic acid, which is acidic and polar, with glycine, which is neutral and non-polar, at codon 318 of the GUSB protein (p.Asp318Gly).

NM_000181.4(GUSB):c.953A>G (p.Asp318Gly)

Gene: GUSB (glucuronidase beta; minus strand). Cytogenetic location: 7q11.21.
Variant type: single nucleotide variant.
Coding change: c.953A>G on transcript NM_000181.4 (MANE Select); coding-DNA position 953, A replaced by G.
Protein change: p.Asp318Gly; replaces aspartic acid 318 with glycine.
Molecular consequence: missense variant. On other transcripts: non-coding transcript variant (1).
Genome position (GRCh38, 1-based): chr7:65,975,031, T>C on the plus strand (A>G on the coding strand, the complement: GUSB is on the minus strand). VCF-style: chr7-65975031-T-C. GRCh37 (hg19) VCF-style: chr7-65440018-T-C.
Other names: c.515A>G, p.Asp172Gly (NM_001284290.2); c.383A>G, p.Asp128Gly (NM_001293104.2); c.296A>G, p.Asp99Gly (NM_001293105.2); short protein forms D128G, D172G, D318G, D99G.
Identifiers: ClinVar variation 2093036 (VCV002093036.4), dbSNP rs2484806524, ClinGen allele CA367645367.